The following is an entry in ClinVar:

ClinVar aggregate classification (germline): Likely pathogenic. Review status: criteria provided, multiple submitters, no conflicts (2 of 4 stars). 2 submissions from 2 submitters: Likely pathogenic (2). Last evaluated 2026-03-12.

Conditions:
Autosomal recessive spinocerebellar ataxia 20. Identifiers: Orphanet 397709, MedGen C5190595, MONDO:0014601, OMIM 616354.

Allele frequency attached by ClinVar (database versions not stated): TOPMed below 0.00001.

Submissions (2):

GeneDx
Classification: Likely pathogenic. Last evaluated: 2026-03-12. Review status: criteria provided, single submitter. Criteria: GeneDx Variant Classification Process June 2021. Collection method: clinical testing. Allele origin: germline.
Comment: RNA studies demonstrate a damaging effect with an alternate splice product that creates a premature stop codon (PMID: 37485342); No data available from control populations to assess the frequency of this variant; This variant is associated with the following publications: (PMID: 37485342)

Laboratory of genome editing, Research Centre for Medical Genetics
Classification: Likely pathogenic for Autosomal recessive spinocerebellar ataxia 20. Last evaluated: 2023-04-04. Review status: criteria provided, single submitter. Criteria: ACMG Guidelines, 2015. Collection method: clinical testing. Allele origin: biparental. Inheritance: Autosomal recessive inheritance. Affected: yes. Observed: 1 homozygote.
Comment: The c.462-589A>G variant is a deep intronic variant located in intron 5 of the SNX14 gene. SpliceAI analysis predicted that the variant created a new donor splicing site (with a delta score of 0.63) and activated a cryptic acceptor splice site 82 bp downstream of the variant. Together, these lead to the inclusion of a pseudo-exon into the SNX14 mRNA. The pseudo-exon is 82 nucleotides long and its inclusion leads to the appearance of a premature stop codon with the formation of a truncated protein (NP_722523.1:p.Asp155Valfs*8).

NM_153816.6(SNX14):c.462-589A>G

Gene: SNX14 (sorting nexin 14; minus strand). Cytogenetic location: 6q14.3.
Variant type: single nucleotide variant.
Coding change: c.462-589A>G on transcript NM_153816.6 (MANE Select); 589 bases into the intron before coding-DNA position 462, A replaced by G.
Molecular consequence: intron variant.
Genome position (GRCh38, 1-based): chr6:85,566,008, T>C on the plus strand (A>G on the coding strand, the complement: SNX14 is on the minus strand). VCF-style: chr6-85566008-T-C. GRCh37 (hg19) VCF-style: chr6-86275726-T-C.
Other names: c.258+6129A>G (NM_001350543.2); c.303-589A>G (NM_001350539.2); c.261+6129A>G (NM_001350542.2); c.18-589A>G (NM_001350546.2, NM_001350545.2); c.-504-589A>G (NM_001350547.2); c.306-589A>G (NM_001350544.2, NM_001304479.2); c.-690-589A>G (NM_001350553.2, NM_001350549.2, NM_001350550.2); c.414+6129A>G (NM_001350537.2); and 7 more.
Identifiers: ClinVar variation 2497676 (VCV002497676.3), dbSNP rs951344311, ClinGen allele CA142031894.
Genomic context (GRCh38, chr6:85,566,008, plus strand): 5'-GAGGGCCCTAGAATTAGAACACTTCCCTAATCAAAGGCAAGAAAAGAAAGAATGATGATA[T>C]CTTGAACTCAAAGACGGTGTTGTTAACTTTCTTGGCAGAATAGGAAAGATAATTGTATCA-3'